The following is an entry in ClinVar:

ClinVar aggregate classification (germline): Uncertain significance. Review status: criteria provided, multiple submitters, no conflicts (2 of 4 stars). 2 submissions from 2 submitters: Uncertain significance (2). Last evaluated 2026-01-12.

gnomAD v4.1: 6 of 1,601,894 alleles (0.00037%); highest among the groups gnomAD compares: Admixed American, 0.0017%; no homozygotes.

Submissions (2):

Labcorp Genetics (formerly Invitae), Labcorp
Classification: Uncertain significance. Last evaluated: 2026-01-12. Review status: criteria provided, single submitter. Criteria: Invitae Variant Classification Sherloc (09022015). Collection method: clinical testing. Allele origin: germline.
Comment: This sequence change replaces leucine, which is neutral and non-polar, with tryptophan, which is neutral and slightly polar, at codon 37 of the FBN3 protein (p.Leu37Trp). This variant is present in population databases (rs780859831, gnomAD 0.006%). This variant has not been reported in the literature in individuals affected with FBN3-related conditions. An algorithm developed to predict the effect of missense changes on protein structure and function (PolyPhen-2) suggests that this variant is likely to be tolerated. In summary, the available evidence is currently insufficient to determine the role of this variant in disease. Therefore, it has been classified as a Variant of Uncertain Significance.

Ambry Genetics
Classification: Uncertain significance. Last evaluated: 2025-10-21. Review status: criteria provided, single submitter. Criteria: Ambry Variant Classification Scheme 2023. Collection method: clinical testing. Allele origin: germline.

NM_032447.5(FBN3):c.110T>G (p.Leu37Trp)

Gene: FBN3 (fibrillin 3; minus strand). Cytogenetic location: 19p13.2.
Variant type: single nucleotide variant.
Coding change: c.110T>G on transcript NM_032447.5 (MANE Select); coding-DNA position 110, T replaced by G.
Protein change: p.Leu37Trp; replaces leucine 37 with tryptophan.
Molecular consequence: missense variant.
Genome position (GRCh38, 1-based): chr19:8,147,371, A>C on the plus strand (T>G on the coding strand, the complement: FBN3 is on the minus strand). VCF-style: chr19-8147371-A-C. GRCh37 (hg19) VCF-style: chr19-8212255-A-C.
Other names: c.110T>G, p.Leu37Trp (NM_001321431.2); short protein forms L37W.
Identifiers: ClinVar variation 4667336 (VCV004667336.2).
Genomic context (GRCh38, chr19:8,147,371, plus strand): 5'-CACCCCTGCAAGATGCCTGGGCTGCCCCGCCTCCGCACACGTCCAGGACCTGCAGCCTCC[A>C]AGGCCCCGTCCCAGCGGCCTTGGCCACCTGCCATGCACAACAGGGCCGACCAGGCCAGCA-3'
Protein context (NP_115823.3, residues 27-47): AGGQGRWDGA[Leu37Trp]EAAGPGRVRR